The following is an entry in ClinVar:

NM_006208.3(ENPP1):c.2230+18C>G

Gene: ENPP1 (ectonucleotide pyrophosphatase/phosphodiesterase 1; plus strand). Cytogenetic location: 6q23.2.
Variant type: single nucleotide variant.
Coding change: c.2230+18C>G on transcript NM_006208.3 (MANE Select); 18 bases into the intron after coding-DNA position 2230, C replaced by G.
Molecular consequence: intron variant.
Genome position (GRCh38, 1-based): chr6:131,882,492, C>G. VCF-style: chr6-131882492-C-G. GRCh37 (hg19) VCF-style: chr6-132203632-C-G.
Identifiers: ClinVar variation 2637805 (VCV002637805.1), dbSNP rs2483527700, ClinGen allele CA2680370832.
Genomic context (GRCh38, chr6:131,882,492, plus strand): 5'-AAAAATAACACCAAAGTGAGTTACGGGTTCCTCTCCCCACCACGTAAGTTTTTTCCTCTC[C>G]TGACCTTCCCTTTTCTCCTTTTTGTTTTCTTTCTTGTTTATAAATCCTACCATACATTAT-3'

ClinVar aggregate classification (germline): Likely benign (1 of 4 stars; one submission).

Allele frequency attached by ClinVar (database versions not stated): gnomAD exomes below 0.00001.
gnomAD v4.1: 2 of 1,586,042 alleles (0.00013%); highest among the groups gnomAD compares: Non-Finnish European, 0.000086%; no homozygotes.

Submission:

Women's Health and Genetics/Laboratory Corporation of America, LabCorp
Classification: Likely benign. Last evaluated: 2023-10-18. Review status: criteria provided, single submitter. Criteria: LabCorp Variant Classification Summary - May 2015. Collection method: clinical testing. Allele origin: germline.
Comment: Variant summary: ENPP1 c.2230+18C>G alters a non-conserved nucleotide located at a position not widely known to affect splicing. Consensus agreement among computation tools predict no significant impact on normal splicing. However, these predictions have yet to be confirmed by functional studies. The variant was absent in 251348 control chromosomes (gnomAD). The available data on variant occurrences in the general population are insufficient to allow any conclusion about variant significance. To our knowledge, no occurrence of c.2230+18C>G in individuals affected with ENPP1-Related Disorders and no experimental evidence demonstrating its impact on protein function have been reported. No submitters have cited clinical-significance assessments for this variant to ClinVar after 2014. Based on the evidence outlined above, the variant was classified as likely benign.